The following is an entry in ClinVar:

ClinVar aggregate classification (germline): Uncertain significance (1 of 4 stars; one submission).

Allele frequency attached by ClinVar (database versions not stated): TOPMed below 0.00001.
gnomAD v4.1: 4 of 1,614,068 alleles (0.00025%); highest among the groups gnomAD compares: Admixed American, 0.0017%; no homozygotes.

Submission:

Labcorp Genetics (formerly Invitae), Labcorp
Classification: Uncertain significance. Last evaluated: 2023-06-09. Review status: criteria provided, single submitter. Criteria: Invitae Variant Classification Sherloc (09022015). Collection method: clinical testing. Allele origin: germline.
Comment: This sequence change replaces valine, which is neutral and non-polar, with methionine, which is neutral and non-polar, at codon 203 of the HOXD13 protein (p.Val203Met). This variant is present in population databases (no rsID available, gnomAD 0.003%). In summary, the available evidence is currently insufficient to determine the role of this variant in disease. Therefore, it has been classified as a Variant of Uncertain Significance. Advanced modeling of protein sequence and biophysical properties (such as structural, functional, and spatial information, amino acid conservation, physicochemical variation, residue mobility, and thermodynamic stability) performed at Invitae indicates that this missense variant is not expected to disrupt HOXD13 protein function. This variant has not been reported in the literature in individuals affected with HOXD13-related conditions.

NM_000523.4(HOXD13):c.607G>A (p.Val203Met)

Gene: HOXD13 (homeobox D13; plus strand). Cytogenetic location: 2q31.1.
Variant type: single nucleotide variant.
Coding change: c.607G>A on transcript NM_000523.4 (MANE Select); coding-DNA position 607, G replaced by A.
Protein change: p.Val203Met; replaces valine 203 with methionine.
Molecular consequence: missense variant.
Genome position (GRCh38, 1-based): chr2:176,093,497, G>A. VCF-style: chr2-176093497-G-A. GRCh37 (hg19) VCF-style: chr2-176958225-G-A.
Other names: short protein forms V203M.
Identifiers: ClinVar variation 2795109 (VCV002795109.3), dbSNP rs1409930133, ClinGen allele CA349353098.